The following is an entry in ClinVar:

NM_006947.4(SRP72):c.38C>G (p.Ala13Gly)

Gene: SRP72 (signal recognition particle 72; plus strand). Cytogenetic location: 4q12.
Variant type: single nucleotide variant.
Coding change: c.38C>G on transcript NM_006947.4 (MANE Select); coding-DNA position 38, C replaced by G.
Protein change: p.Ala13Gly; replaces alanine 13 with glycine.
Molecular consequence: missense variant. On other transcripts: non-coding transcript variant (1).
Genome position (GRCh38, 1-based): chr4:56,467,673, C>G. VCF-style: chr4-56467673-C-G. GRCh37 (hg19) VCF-style: chr4-57333839-C-G.
Other names: c.38C>G, p.Ala13Gly (NM_001267722.2); short protein forms A13G.
Identifiers: ClinVar variation 4865152 (VCV004865152.1).

ClinVar aggregate classification (germline): Uncertain significance (1 of 4 stars; one submission).

Submission:

Ambry Genetics
Classification: Uncertain significance. Last evaluated: 2026-05-27. Review status: criteria provided, single submitter. Criteria: Ambry Variant Classification Scheme 2023. Collection method: clinical testing. Allele origin: germline.
Comment: The p.A13G variant (also known as c.38C>G), located in coding exon 1 of the SRP72 gene, results from a C to G substitution at nucleotide position 38. The alanine at codon 13 is replaced by glycine, an amino acid with similar properties. This amino acid position is conserved. In addition, this alteration is predicted to be tolerated by in silico analysis. Based on the available evidence, the clinical significance of this variant remains unclear.